The following is an entry in ClinVar:

ClinVar aggregate classification (germline): Uncertain significance (1 of 4 stars; one submission).

Conditions:
Susceptibility to respiratory infections associated with CD8alpha chain mutation (IMD116). Also called: Cd8 deficiency, familial; IMMUNODEFICIENCY 116. Identifiers: Orphanet 169085, MedGen C1837065, MONDO:0012161, OMIM 608957.

Submission:

Labcorp Genetics (formerly Invitae), Labcorp
Classification: Uncertain significance for Susceptibility to respiratory infections associated with CD8alpha chain mutation. Last evaluated: 2022-04-09. Review status: criteria provided, single submitter. Criteria: Invitae Variant Classification Sherloc (09022015). Collection method: clinical testing. Allele origin: germline.
Comment: This sequence change replaces phenylalanine, which is neutral and non-polar, with leucine, which is neutral and non-polar, at codon 132 of the CD8A protein (p.Phe132Leu). This variant is not present in population databases (gnomAD no frequency). This variant has not been reported in the literature in individuals affected with CD8A-related conditions. Algorithms developed to predict the effect of missense changes on protein structure and function output the following: SIFT: "Tolerated"; PolyPhen-2: "Benign"; Align-GVGD: "Class C0". The leucine amino acid residue is found in multiple mammalian species, which suggests that this missense change does not adversely affect protein function. In summary, the available evidence is currently insufficient to determine the role of this variant in disease. Therefore, it has been classified as a Variant of Uncertain Significance.

NM_001768.7(CD8A):c.396C>A (p.Phe132Leu)

Gene: CD8A (CD8 subunit alpha; minus strand). Cytogenetic location: 2p11.2.
Variant type: single nucleotide variant.
Coding change: c.396C>A on transcript NM_001768.7 (MANE Select); coding-DNA position 396, C replaced by A.
Protein change: p.Phe132Leu; replaces phenylalanine 132 with leucine.
Molecular consequence: missense variant. On other transcripts: non-coding transcript variant (3).
Genome position (GRCh38, 1-based): chr2:86,790,335, G>T on the plus strand (C>A on the coding strand, the complement: CD8A is on the minus strand). VCF-style: chr2-86790335-G-T. GRCh37 (hg19) VCF-style: chr2-87017458-G-T.
Other names: c.396C>A, p.Phe132Leu (NM_171827.4, NM_001145873.1, NM_001382698.1); short protein forms F132L.
Identifiers: ClinVar variation 2123412 (VCV002123412.4), dbSNP rs2466502762, ClinGen allele CA347576702.
Genomic context (GRCh38, chr2:86,790,335, plus strand): 5'-TGAGGTGAACCCCAAGCCCCACGCGGAGAGGTGCCGCAACCCGGCGCGCGGACCTGGCAG[G>T]AAGACCGGCACGAAGTGGCTGAAGTACATGATGGAGTTGCTCAGGGCCGAGCAGAAATAG-3'
Protein context (NP_001759.3, residues 122-142): IMYFSHFVPV[Phe132Leu]LPAKPTTTPA